The following is an entry in ClinVar:

ClinVar aggregate classification (germline): Pathogenic. Review status: criteria provided, multiple submitters, no conflicts (2 of 4 stars). 2 submissions from 2 submitters: Pathogenic (2). Last evaluated 2026-02-25.

Conditions:
Ataxia-telangiectasia syndrome (AT). Also called: ATAXIA-TELANGIECTASIA, COMPLEMENTATION GROUP A; ATAXIA-TELANGIECTASIA, FRESNO VARIANT; Ataxia-telangiectasia; Ataxia-telangiectasia, complementation group E; LOUIS-BAR SYNDROME; Cerebello-oculocutaneous telangiectasia. Identifiers: Orphanet 100, MedGen C0004135, MONDO:0008840, OMIM 208900.
Familial cancer of breast. Also called: BREAST CANCER, FAMILIAL; Hereditary breast cancer; hereditary breast carcinoma. Identifiers: Orphanet 227535, MedGen C0346153, MONDO:0016419, OMIM 114480. Disease mechanism: loss of function.

Submissions (2):

Myriad Genetics, Inc.
Classification: Pathogenic for Familial cancer of breast. Last evaluated: 2026-02-25. Review status: criteria provided, single submitter. Criteria: Myriad Autosomal Dominant, Autosomal Recessive and X-Linked Classification Criteria (2023). Collection method: clinical testing. Allele origin: unknown.
Comment: This variant is considered pathogenic. This variant creates a frameshift predicted to result in premature protein truncation.

Labcorp Genetics (formerly Invitae), Labcorp
Classification: Pathogenic for Ataxia-telangiectasia syndrome. Last evaluated: 2024-12-04. Review status: criteria provided, single submitter. Criteria: Invitae Variant Classification Sherloc (09022015). Collection method: clinical testing. Allele origin: germline.
Comment: This sequence change creates a premature translational stop signal (p.Asn562Ilefs*5) in the ATM gene. It is expected to result in an absent or disrupted protein product. Loss-of-function variants in ATM are known to be pathogenic (PMID: 23807571, 25614872). This variant is not present in population databases (gnomAD no frequency). This variant has not been reported in the literature in individuals affected with ATM-related conditions. ClinVar contains an entry for this variant (Variation ID: 2756806). For these reasons, this variant has been classified as Pathogenic.

Literature cited by the submitters: PubMed 23807571 (cited by Labcorp Genetics (formerly Invitae), Labcorp); PubMed 25614872 (cited by Labcorp Genetics (formerly Invitae), Labcorp).

NM_000051.4(ATM):c.1685del (p.Asn562fs)

Gene: ATM (ATM serine/threonine kinase; plus strand). Cytogenetic location: 11q22.3.
Variant type: Deletion.
Coding change: c.1685del on transcript NM_000051.4 (MANE Select); coding-DNA position 1685, one base deleted (A; older notation c.1685delA).
Protein change: p.Asn562fs; shifts the reading frame from asparagine 562.
Molecular consequence: frameshift variant.
Genome position (GRCh38, 1-based): chr11:108,251,914, A deleted; the last of 4 consecutive A bases (chr11:108,251,911-108,251,914); deleting any one gives the same sequence. VCF-style (leftmost placement, unchanged base first): chr11-108251910-CA-C. GRCh37 (hg19) VCF-style: chr11-108122637-CA-C.
Other names: c.1685del, p.Asn562fs (NM_001351834.2); short protein forms N562fs.
Identifiers: ClinVar variation 2756806 (VCV002756806.4), dbSNP rs2497269688, ClinGen allele CA2697549006.